The following is an entry in ClinVar:

NM_000377.3(WAS):c.1208C>T (p.Pro403Leu)

Gene: WAS (WASP actin nucleation promoting factor; plus strand). Cytogenetic location: Xp11.23.
Variant type: single nucleotide variant.
Coding change: c.1208C>T on transcript NM_000377.3 (MANE Select); coding-DNA position 1208, C replaced by T.
Protein change: p.Pro403Leu; replaces proline 403 with leucine.
Molecular consequence: missense variant.
Genome position (GRCh38, 1-based): chrX:48,688,936, C>T. VCF-style: chrX-48688936-C-T. GRCh37 (hg19) VCF-style: chrX-48547325-C-T.
Other names: p.Pro403Leu; short protein forms P403L.
Identifiers: ClinVar variation 444802 (VCV000444802.51), dbSNP rs782666797, ClinGen allele CA10404051.
Genomic context (GRCh38, chrX:48,688,936, plus strand): 5'-CTCCACCCCCTGGAGCTGGTGGGCCACCCATGCCACCACCACCGCCACCACCGCCACCGC[C>T]GCCCAGCTCCGGGAATGGACCAGCCCCTCCCCCACTCCCTCCTGCTCTGGTGCCTGCCGG-3'
Protein context (NP_000368.1, residues 393-413): MPPPPPPPPP[Pro403Leu]PSSGNGPAPP

ClinVar aggregate classification (germline): Conflicting classifications of pathogenicity. Review status: criteria provided, conflicting classifications (1 of 4 stars). 7 submissions from 7 submitters: Uncertain significance (6); Likely benign (1). Last evaluated 2026-01-24.

Conditions:
X-linked severe congenital neutropenia (SCNX). Identifiers: Orphanet 86788, MedGen C1845987, MONDO:0010294, OMIM 300299.
Wiskott-Aldrich syndrome (WAS). Also called: ALDRICH SYNDROME; IMMUNODEFICIENCY 2; WISKOTT-ALDRICH SYNDROME 1; Wiskott-aldrich syndrome, somatic. Identifiers: Orphanet 906, MedGen C0043194, MONDO:0010518, OMIM 301000.
Thrombocytopenia 1. Also called: X-linked thrombocytopenia with normal platelets; X-Linked Thrombocytopenia (XLT); THROMBOCYTOPENIA, X-LINKED, 1. Identifiers: Orphanet 268322, Orphanet 852, MedGen C1839163, MONDO:0010743, OMIM 313900.
WAS-related disorder. Also called: WAS-related condition; WAS-Related Disorders. Identifiers: MedGen CN381538.

Allele frequency attached by ClinVar (database versions not stated): gnomAD exomes 0.00003; TOPMed 0.00003; gnomAD 0.00005 and 0.00006; ExAC 0.00023.
gnomAD v4.1: 59 of 1,161,662 alleles (0.0051%); highest among the groups gnomAD compares: Non-Finnish European, 0.0067%; no homozygotes.

Submissions (7):

Labcorp Genetics (formerly Invitae), Labcorp
Classification: Likely benign for Wiskott-Aldrich syndrome; X-linked severe congenital neutropenia; Thrombocytopenia 1. Last evaluated: 2026-01-24. Review status: criteria provided, single submitter. Criteria: Invitae Variant Classification Sherloc (09022015). Collection method: clinical testing. Allele origin: germline.

Genomic Medicine Center of Excellence, King Faisal Specialist Hospital and Research Centre
Classification: Uncertain significance for Wiskott-Aldrich syndrome. Last evaluated: 2024-09-22. Review status: criteria provided, single submitter. Criteria: ACMG Guidelines, 2015. Collection method: clinical testing. Allele origin: germline.

Mayo Clinic Laboratories, Mayo Clinic
Classification: Uncertain significance. Last evaluated: 2024-09-04. Review status: criteria provided, single submitter. Criteria: ACMG Guidelines, 2015. Collection method: clinical testing. Allele origin: germline. Observed: 1 variant allele.
Comment: PM2, PS4_supporting

GeneDx
Classification: Uncertain significance. Last evaluated: 2024-01-16. Review status: criteria provided, single submitter. Criteria: GeneDx Variant Classification Process June 2021. Collection method: clinical testing. Allele origin: germline. Affected: yes.
Comment: In silico analysis supports that this missense variant has a deleterious effect on protein structure/function; This variant is associated with the following publications: (PMID: 34390440, 28748566)

PreventionGenetics, part of Exact Sciences
Classification: Uncertain significance for WAS-related condition. Last evaluated: 2023-05-29. Review status: criteria provided, single submitter. Criteria: ACMG Guidelines, 2015. Collection method: clinical testing. Allele origin: germline.
Comment: The WAS c.1208C>T variant is predicted to result in the amino acid substitution p.Pro403Leu. This variant was reported in an individual with Thrombocytopaenia (Leinøe et al 2017. PubMed ID: 28748566, Supplementary Table 2). This variant is reported in 0.010% of alleles in individuals of East Asian descent in gnomAD. At this time, the clinical significance of this variant is uncertain due to the absence of conclusive functional and genetic evidence.

Fulgent Genetics
Classification: Uncertain significance for X-linked severe congenital neutropenia; Wiskott-Aldrich syndrome; Thrombocytopenia 1. Last evaluated: 2018-10-31. Review status: criteria provided, single submitter. Criteria: ACMG Guidelines, 2015. Collection method: clinical testing. Allele origin: unknown.

CeGaT Center for Human Genetics Tuebingen
Classification: Uncertain significance. Last evaluated: 2017-03-01. Review status: criteria provided, single submitter. Criteria: CeGaT Center For Human Genetics Tuebingen Variant Classification Criteria Version 2. Collection method: clinical testing. Allele origin: germline. Affected: yes. Observed: 1 variant allele.

Literature cited by the submitters: PubMed 28748566 (cited by Mayo Clinic Laboratories, Mayo Clinic); PubMed 34390440 (cited by Mayo Clinic Laboratories, Mayo Clinic).